The following is an entry in ClinVar:

ClinVar aggregate classification (germline): Uncertain significance (1 of 4 stars; one submission).

Conditions:
Primary ciliary dyskinesia. Also called: Ciliary dyskinesia. Identifiers: Orphanet 244, MedGen C0008780, MONDO:0016575, HP:0012265.

Submission:

Labcorp Genetics (formerly Invitae), Labcorp
Classification: Uncertain significance for Primary ciliary dyskinesia. Last evaluated: 2021-08-31. Review status: criteria provided, single submitter. Criteria: Invitae Variant Classification Sherloc (09022015). Collection method: clinical testing. Allele origin: germline.
Comment: This sequence change replaces serine with asparagine at codon 1071 of the DNAH5 protein (p.Ser1071Asn). The serine residue is weakly conserved and there is a small physicochemical difference between serine and asparagine. This variant is not present in population databases (ExAC no frequency). This variant has not been reported in the literature in individuals affected with DNAH5-related conditions. Advanced modeling of protein sequence and biophysical properties (such as structural, functional, and spatial information, amino acid conservation, physicochemical variation, residue mobility, and thermodynamic stability) performed at Invitae indicates that this missense variant is not expected to disrupt DNAH5 protein function. In summary, the available evidence is currently insufficient to determine the role of this variant in disease. Therefore, it has been classified as a Variant of Uncertain Significance.

NM_001369.3(DNAH5):c.3212G>A (p.Ser1071Asn)

Genes: DNAH5 (dynein axonemal heavy chain 5; minus strand), DNAH5-AS1 (DNAH5 antisense RNA 1; plus strand). Cytogenetic location: 5p15.2.
Variant type: single nucleotide variant.
Coding change: c.3212G>A on transcript NM_001369.3 (MANE Select); coding-DNA position 3212, G replaced by A.
Protein change: p.Ser1071Asn; replaces serine 1071 with asparagine.
Molecular consequence: missense variant.
Genome position (GRCh38, 1-based): chr5:13,882,778, C>T on the plus strand (G>A on the coding strand, the complement: DNAH5 is on the minus strand). VCF-style: chr5-13882778-C-T. GRCh37 (hg19) VCF-style: chr5-13882887-C-T.
Other names: short protein forms S1071N.
Identifiers: ClinVar variation 1477188 (VCV001477188.6), dbSNP rs2151938135, ClinGen allele CA359191890.